The following is an entry in ClinVar:

NM_001282225.2(ADA2):c.186G>T (p.Arg62Ser)

Gene: ADA2 (adenosine deaminase 2; minus strand). Cytogenetic location: 22q11.1.
Variant type: single nucleotide variant.
Coding change: c.186G>T on transcript NM_001282225.2 (MANE Select); coding-DNA position 186, G replaced by T.
Protein change: p.Arg62Ser; replaces arginine 62 with serine.
Molecular consequence: missense variant. On other transcripts: intron variant (1).
Genome position (GRCh38, 1-based): chr22:17,209,492, C>A on the plus strand (G>T on the coding strand, the complement: ADA2 is on the minus strand). VCF-style: chr22-17209492-C-A. GRCh37 (hg19) VCF-style: chr22-17690382-C-A.
Other names: c.186G>T, p.Arg62Ser (NM_001282226.2); c.60G>T, p.Arg20Ser (NM_001282227.2, NM_001282228.2); c.-38-2202G>T (NM_001282229.2); short protein forms R62S, R20S.
Identifiers: ClinVar variation 541729 (VCV000541729.9), dbSNP rs1555887378, ClinGen allele CA410230596.

ClinVar aggregate classification (germline): Uncertain significance (1 of 4 stars; one submission).

Conditions:
Deficiency of adenosine deaminase 2. Also called: Polyarteritis nodosa, childhoood-onset; VASCULITIS, AUTOINFLAMMATION, IMMUNODEFICIENCY, AND HEMATOLOGIC DEFECTS SYNDROME; Adenosine Deaminase 2 Deficiency. Identifiers: Orphanet 404553, MedGen C3887654, MONDO:0014306, OMIM 615688, MONDO:0100317.

Submission:

Labcorp Genetics (formerly Invitae), Labcorp
Classification: Uncertain significance for Deficiency of adenosine deaminase 2. Last evaluated: 2017-10-18. Review status: criteria provided, single submitter. Criteria: Invitae Variant Classification Sherloc (09022015). Collection method: clinical testing. Allele origin: germline.
Comment: In summary, the available evidence is currently insufficient to determine the role of this variant in disease. Therefore, it has been classified as a Variant of Uncertain Significance. Algorithms developed to predict the effect of missense changes on protein structure and function do not agree on the potential impact of this missense change (SIFT: "Deleterious"; PolyPhen-2: "Benign"; Align-GVGD: "Class C0"). This variant has not been reported in the literature in individuals with ADA2-related disease. This variant is not present in population databases (ExAC no frequency). This sequence change replaces arginine with serine at codon 62 of the ADA2 protein (p.Arg62Ser). The arginine residue is moderately conserved and there is a moderate physicochemical difference between arginine and serine.